The following is an entry in ClinVar:

ClinVar aggregate classification (germline): Uncertain significance. Review status: criteria provided, multiple submitters, no conflicts (2 of 4 stars). 2 submissions from 2 submitters: Uncertain significance (2). Last evaluated 2024-09-28.

Allele frequency attached by ClinVar (database versions not stated): gnomAD exomes below 0.00001; gnomAD 0.00001; TOPMed 0.00001.
gnomAD v4.1: 7 of 1,612,518 alleles (0.00043%); highest among the groups gnomAD compares: African/African-American, 0.0013%; no homozygotes.

Submissions (2):

Labcorp Genetics (formerly Invitae), Labcorp
Classification: Uncertain significance. Last evaluated: 2024-09-28. Review status: criteria provided, single submitter. Criteria: Invitae Variant Classification Sherloc (09022015). Collection method: clinical testing. Allele origin: germline.
Comment: This sequence change replaces leucine, which is neutral and non-polar, with phenylalanine, which is neutral and non-polar, at codon 10 of the POC5 protein (p.Leu10Phe). This variant is not present in population databases (gnomAD no frequency). This variant has not been reported in the literature in individuals affected with POC5-related conditions. ClinVar contains an entry for this variant (Variation ID: 2516130). An algorithm developed to predict the effect of missense changes on protein structure and function outputs the following: PolyPhen-2: "Probably Damaging". The phenylalanine amino acid residue is found in multiple mammalian species, which suggests that this missense change does not adversely affect protein function. In summary, the available evidence is currently insufficient to determine the role of this variant in disease. Therefore, it has been classified as a Variant of Uncertain Significance.

Ambry Genetics
Classification: Uncertain significance. Last evaluated: 2023-04-25. Review status: criteria provided, single submitter. Criteria: Ambry Variant Classification Scheme 2023. Collection method: clinical testing. Allele origin: germline.

NM_001099271.2(POC5):c.28C>T (p.Leu10Phe)

Gene: POC5 (POC5 centriolar protein; minus strand). Cytogenetic location: 5q13.3.
Variant type: single nucleotide variant.
Coding change: c.28C>T on transcript NM_001099271.2 (MANE Select); coding-DNA position 28, C replaced by T.
Protein change: p.Leu10Phe; replaces leucine 10 with phenylalanine.
Molecular consequence: missense variant.
Genome position (GRCh38, 1-based): chr5:75,712,910, G>A on the plus strand (C>T on the coding strand, the complement: POC5 is on the minus strand). VCF-style: chr5-75712910-G-A. GRCh37 (hg19) VCF-style: chr5-75008735-G-A.
Other names: short protein forms L10F.
Identifiers: ClinVar variation 2516130 (VCV002516130.4), dbSNP rs994705819, ClinGen allele CA120988458.
Genomic context (GRCh38, chr5:75,712,910, plus strand): 5'-CTACCTGAAGATTCGAAGAGACAGAACTGCCTCGACTGGAGTCATTTTGCACAACTGGAA[G>A]TGAGTATTTCTCCTCATCTGATGACATTCTGCACAAATGCTCTAAAACAGTAGAAGCTAA-3'
Protein context (NP_001092741.1, residues 1-20): MSSDEEKYS[Leu10Phe]PVVQNDSSRG